The following is an entry in ClinVar:

NM_002471.4(MYH6):c.2008C>T (p.His670Tyr)

Gene: MYH6 (myosin heavy chain 6; minus strand). Cytogenetic location: 14q11.2.
Variant type: single nucleotide variant.
Coding change: c.2008C>T on transcript NM_002471.4 (MANE Select); coding-DNA position 2008, C replaced by T.
Protein change: p.His670Tyr; replaces histidine 670 with tyrosine.
Molecular consequence: missense variant.
Genome position (GRCh38, 1-based): chr14:23,397,212, G>A on the plus strand (C>T on the coding strand, the complement: MYH6 is on the minus strand). VCF-style: chr14-23397212-G-A. GRCh37 (hg19) VCF-style: chr14-23866421-G-A.
Other names: c.2008C>T (NM_002471.3); short protein forms H670Y.
Identifiers: ClinVar variation 1422471 (VCV001422471.14), dbSNP rs754199269, ClinGen allele CA7115627.

ClinVar aggregate classification (germline): Uncertain significance. Review status: criteria provided, multiple submitters, no conflicts (2 of 4 stars). 5 submissions from 5 submitters: Uncertain significance (4). 1 of the submissions does not count toward it. Last evaluated 2025-09-17.

Conditions:
Cardiovascular phenotype. Identifiers: MedGen CN230736.
Hypertrophic cardiomyopathy 14. Identifiers: MedGen C2750467, MONDO:0013197, OMIM 613251.
MYH6-related disorder. Also called: MYH6-Related Disorders; MYH6-related condition.

Allele frequency attached by ClinVar (database versions not stated): gnomAD exomes below 0.00001 and 0.00001; TOPMed 0.00001; ExAC 0.00002.
gnomAD v4.1: 2 of 1,614,238 alleles (0.00012%); highest among the groups gnomAD compares: Admixed American, 0.0033%; no homozygotes.

Submissions (5):

Ambry Genetics
Classification: Uncertain significance for Cardiovascular phenotype. Last evaluated: 2025-09-17. Review status: criteria provided, single submitter. Criteria: Ambry Variant Classification Scheme 2023. Collection method: clinical testing. Allele origin: germline.
Comment: The p.H670Y variant (also known as c.2008C>T), located in coding exon 15 of the MYH6 gene, results from a C to T substitution at nucleotide position 2008. The histidine at codon 670 is replaced by tyrosine, an amino acid with similar properties. This amino acid position is conserved. In addition, this alteration is predicted to be deleterious by in silico analysis. Based on the available evidence, the clinical significance of this variant remains unclear.

Blueprint Genetics
Classification: Uncertain significance. Last evaluated: 2023-02-02. Review status: criteria provided, single submitter. Criteria: ACMG Guidelines, 2015. Collection method: clinical testing. Allele origin: germline.

Labcorp Genetics (formerly Invitae), Labcorp
Classification: Uncertain significance for Hypertrophic cardiomyopathy 14. Last evaluated: 2020-11-23. Review status: criteria provided, single submitter. Criteria: Invitae Variant Classification Sherloc (09022015). Collection method: clinical testing. Allele origin: germline.
Comment: This sequence change replaces histidine with tyrosine at codon 670 of the MYH6 protein (p.His670Tyr). The histidine residue is weakly conserved and there is a moderate physicochemical difference between histidine and tyrosine. In summary, the available evidence is currently insufficient to determine the role of this variant in disease. Therefore, it has been classified as a Variant of Uncertain Significance. Algorithms developed to predict the effect of missense changes on protein structure and function are either unavailable or do not agree on the potential impact of this missense change (SIFT: "Deleterious"; PolyPhen-2: "Probably Damaging"; Align-GVGD: "Class C0"). This variant has not been reported in the literature in individuals with MYH6-related conditions. This variant is present in population databases (rs754199269, ExAC 0.02%).

Revvity Omics, Revvity
Classification: Uncertain significance. Last evaluated: 2019-08-08. Review status: criteria provided, single submitter. Criteria: ACMG Guidelines, 2015. Collection method: clinical testing. Allele origin: germline.

PreventionGenetics, part of Exact Sciences
Classification: Uncertain significance for MYH6-related condition. Last evaluated: 2024-04-03. Review status: no assertion criteria provided. Collection method: clinical testing. Allele origin: germline. Not counted in ClinVar's aggregate classification.
Comment: The MYH6 c.2008C>T variant is predicted to result in the amino acid substitution p.His670Tyr. To our knowledge, this variant has not been reported in the literature. This variant is reported in 0.0058% of alleles in individuals of Latino descent in gnomAD. At this time, the clinical significance of this variant is uncertain due to the absence of conclusive functional and genetic evidence.